The following is an entry in ClinVar:

ClinVar aggregate classification (germline): Pathogenic (1 of 4 stars; one submission).

Conditions:
Autosomal recessive limb-girdle muscular dystrophy type 2F (LGMDR6). Also called: Muscular dystrophy limb-girdle with delta-sarcoglyan deficiency; MUSCULAR DYSTROPHY, LIMB-GIRDLE, AUTOSOMAL RECESSIVE 6. Identifiers: Orphanet 219, MedGen C1832525, MONDO:0011028, OMIM 601287. Disease mechanism: Affects gamma-sarcoglycan and also disrupts the integrity of the entire sarcoglycan complex..

gnomAD v4.1: 1 of 1,605,916 alleles (0.000062%); highest among the groups gnomAD compares: Non-Finnish European, 0.000085%; no homozygotes.

Submission:

Myriad Genetics, Inc.
Classification: Pathogenic for Autosomal recessive limb-girdle muscular dystrophy type 2F. Last evaluated: 2024-03-18. Review status: criteria provided, single submitter. Criteria: Myriad Autosomal Dominant, Autosomal Recessive and X-Linked Classification Criteria (2023). Collection method: clinical testing. Allele origin: unknown.
Comment: NM_000337.5(SGCD):c.270C>A(Y90*) is expected to be pathogenic in the context of delta-sarcoglycanopathy. This variant is predicted to lead to an abnormal or absent protein product due to the creation of a premature termination codon in SGCD, a gene where loss-of-function variants are known to be pathogenic. Please note: this variant was assessed in the context of healthy population screening.

NM_000337.6(SGCD):c.270C>A (p.Tyr90Ter)

Gene: SGCD (sarcoglycan delta; plus strand). Cytogenetic location: 5q33.3.
Variant type: single nucleotide variant.
Coding change: c.270C>A on transcript NM_000337.6 (MANE Select); coding-DNA position 270, C replaced by A.
Protein change: p.Tyr90Ter; replaces tyrosine 90 with a stop codon.
Molecular consequence: nonsense.
Genome position (GRCh38, 1-based): chr5:156,508,678, C>A. VCF-style: chr5-156508678-C-A. GRCh37 (hg19) VCF-style: chr5-155935688-C-A.
Other names: c.267C>A, p.Tyr89Ter (NM_001128209.2); c.270C>A, p.Tyr90Ter (NM_172244.3); short protein forms Y89*, Y90*.
Identifiers: ClinVar variation 5012830 (VCV005012830.1).
Genomic context (GRCh38, chr5:156,508,678, plus strand): 5'-GAGGATCACAGAAAAAGGTCTAAAGCTAGAAGGAGACTCTGAATTCTTACAACCTCTCTA[C>A]GCCAAAGAAATCCAGTCCCGACCAGTAAGTTTCTGCTGAGAGAAGGAGGCATTATTGTTG-3'